The following is an entry in ClinVar:

NM_000890.5(KCNJ5):c.295G>A (p.Val99Ile)

Gene: KCNJ5 (potassium inwardly rectifying channel subfamily J member 5; plus strand). Cytogenetic location: 11q24.3.
Variant type: single nucleotide variant.
Coding change: c.295G>A on transcript NM_000890.5 (MANE Select); coding-DNA position 295, G replaced by A.
Protein change: p.Val99Ile; replaces valine 99 with isoleucine.
Molecular consequence: missense variant.
Genome position (GRCh38, 1-based): chr11:128,911,568, G>A. VCF-style: chr11-128911568-G-A. GRCh37 (hg19) VCF-style: chr11-128781463-G-A.
Other names: c.295G>A (NM_000890.3); c.295G>A, p.Val99Ile (NM_001354169.2); short protein forms V99I.
Identifiers: ClinVar variation 1001977 (VCV001001977.11), dbSNP rs1390685442, ClinGen allele CA383247009.
Genomic context (GRCh38, chr11:128,911,568, plus strand): 5'-ACCACCCTGGTGGACCTCAAGTGGCGCTTCAACTTGCTCGTCTTCACCATGGTTTACACT[G>A]TCACCTGGCTGTTCTTCGGCTTCATTTGGTGGCTCATTGCTTATATCCGGGGTGACCTGG-3'
Protein context (NP_000881.3, residues 89-109): NLLVFTMVYT[Val99Ile]TWLFFGFIWW

ClinVar aggregate classification (germline): Uncertain significance. Review status: criteria provided, multiple submitters, no conflicts (2 of 4 stars). 3 submissions from 3 submitters: Uncertain significance (3). Last evaluated 2023-08-04.

Conditions:
Long QT syndrome 13 (LQT13). Identifiers: Orphanet 101016, Orphanet 768, MedGen C3150733, MONDO:0013279, OMIM 613485.
Familial hyperaldosteronism type III. Also called: FH III; Familial hyperaldosteronism type 3. Identifiers: Orphanet 251274, MedGen C3838758, MONDO:0013359, OMIM 613677.
Long QT syndrome (LQTS). Identifiers: MedGen C0023976, MeSH D008133, MONDO:0002442. Disease mechanism: loss of function. Inheritance: Various modes of inheritance.

Allele frequency attached by ClinVar (database versions not stated): gnomAD 0.00001.
gnomAD v4.1: 1 of 1,614,096 alleles (0.000062%); highest among the groups gnomAD compares: East Asian, 0.0022%; no homozygotes.

Submissions (3):

GeneDx
Classification: Uncertain significance. Last evaluated: 2023-08-04. Review status: criteria provided, single submitter. Criteria: GeneDx Variant Classification Process June 2021. Collection method: clinical testing. Allele origin: germline. Affected: yes.
Comment: Not observed at significant frequency in large population cohorts (gnomAD); In silico analysis supports that this missense variant does not alter protein structure/function; Has not been previously published as pathogenic or benign to our knowledge

Labcorp Genetics (formerly Invitae), Labcorp
Classification: Uncertain significance for Long QT syndrome. Last evaluated: 2020-03-06. Review status: criteria provided, single submitter. Criteria: Invitae Variant Classification Sherloc (09022015). Collection method: clinical testing. Allele origin: germline.
Comment: In summary, the available evidence is currently insufficient to determine the role of this variant in disease. Therefore, it has been classified as a Variant of Uncertain Significance. Algorithms developed to predict the effect of missense changes on protein structure and function output the following: SIFT: "Tolerated"; PolyPhen-2: "Benign"; Align-GVGD: "Class C0". The isoleucine amino acid residue is found in multiple mammalian species, suggesting that this missense change does not adversely affect protein function. These predictions have not been confirmed by published functional studies and their clinical significance is uncertain. This variant has not been reported in the literature in individuals with KCNJ5-related conditions. This variant is not present in population databases (ExAC no frequency). This sequence change replaces valine with isoleucine at codon 99 of the KCNJ5 protein (p.Val99Ile). The valine residue is weakly conserved and there is a small physicochemical difference between valine and isoleucine.

Juno Genomics, Hangzhou Juno Genomics, Inc
Classification: Uncertain significance for Familial hyperaldosteronism type III; Long QT syndrome 13. Review status: criteria provided, single submitter. Criteria: ACMG Guidelines, 2015. Collection method: clinical testing. Allele origin: germline.
Comment: Absent from controls (or at extremely low frequency if recessive) in Genome Aggregation Database.